The following is an entry in ClinVar:

ClinVar aggregate classification (germline): Benign. Review status: criteria provided, multiple submitters, no conflicts (2 of 4 stars). 3 submissions from 3 submitters: Benign (3). Last evaluated 2018-11-12.

Allele frequency attached by ClinVar (database versions not stated): ESP Exome Variant Server 0.51338; gnomAD 0.53676; TOPMed 0.54620; 1000 Genomes Project 30x 0.61149; 1000 Genomes Project 0.61861.
gnomAD v4.1: 840,009 of 1,613,446 alleles (52%); highest among the groups gnomAD compares: East Asian, 68%; 222,671 homozygotes.

Submissions (3):

GeneDx
Classification: Benign. Last evaluated: 2018-11-12. Review status: criteria provided, single submitter. Criteria: GeneDx Variant Classification Process June 2021. Collection method: clinical testing. Allele origin: germline. Affected: yes.

Laboratory for Molecular Medicine, Mass General Brigham Personalized Medicine
Classification: Benign. Last evaluated: 2016-03-28. Review status: criteria provided, single submitter. Criteria: LMM Criteria. Collection method: clinical testing. Allele origin: germline.
Comment: Variant identified in a genome or exome case(s) and assessed due to predicted null impact of the variant or pathogenic assertions in the literature or databases. Disclaimer: This variant has not undergone full assessment. The following are preliminary notes: Frequency

Breakthrough Genomics
Classification: Benign. Review status: criteria provided, single submitter. Criteria: ACMG Guidelines, 2015. Collection method: not provided. Allele origin: germline. Inheritance: Unknown mechanism. Affected: yes.

NM_002422.5(MMP3):c.288T>C (p.Asp96=)

Gene: MMP3 (matrix metallopeptidase 3; minus strand). Cytogenetic location: 11q22.2.
Variant type: single nucleotide variant.
Coding change: c.288T>C on transcript NM_002422.5 (MANE Select); coding-DNA position 288, T replaced by C.
Protein change: p.Asp96=; no amino-acid change (aspartic acid 96 retained).
Molecular consequence: synonymous variant.
Genome position (GRCh38, 1-based): chr11:102,842,734, A>G on the plus strand (T>C on the coding strand, the complement: MMP3 is on the minus strand). VCF-style: chr11-102842734-A-G. GRCh37 (hg19) VCF-style: chr11-102713465-A-G.
Other names: NM_002422.3:c.288T>C; p.Asp96Asp.
Identifiers: ClinVar variation 403097 (VCV000403097.7), dbSNP rs602128, ClinGen allele CA6251205.